The following is an entry in ClinVar:

ClinVar aggregate classification (germline): Uncertain significance. Review status: criteria provided, multiple submitters, no conflicts (2 of 4 stars). 2 submissions from 2 submitters: Uncertain significance (2). Last evaluated 2026-03-30.

Conditions:
Cardiovascular phenotype. Identifiers: MedGen CN230736.
Hereditary cancer-predisposing syndrome. Also called: Hereditary Cancer Syndrome; Hereditary neoplastic syndrome; Neoplastic Syndromes, Hereditary; Tumor predisposition. Identifiers: Orphanet 140162, MedGen C0027672, MeSH D009386, MONDO:0015356.

gnomAD v4.1: 1 of 1,612,750 alleles (0.000062%); no homozygotes.

Submissions (2):

Ambry Genetics
Classification: Uncertain significance for Cardiovascular phenotype; Hereditary cancer-predisposing syndrome. Last evaluated: 2026-03-30. Review status: criteria provided, single submitter. Criteria: Ambry Variant Classification Scheme 2023. Collection method: clinical testing. Allele origin: germline.
Comment: The p.V582A variant (also known as c.1745T>C), located in coding exon 15 of the LZTR1 gene, results from a T to C substitution at nucleotide position 1745. The valine at codon 582 is replaced by alanine, an amino acid with similar properties. This amino acid position is conserved. In addition, the in silico prediction for this alteration is inconclusive. Based on the available evidence, the clinical significance of this variant remains unclear.

Labcorp Genetics (formerly Invitae), Labcorp
Classification: Uncertain significance. Last evaluated: 2024-04-17. Review status: criteria provided, single submitter. Criteria: Invitae Variant Classification Sherloc (09022015). Collection method: clinical testing. Allele origin: germline.
Comment: This sequence change replaces valine, which is neutral and non-polar, with alanine, which is neutral and non-polar, at codon 582 of the LZTR1 protein (p.Val582Ala). This variant is present in population databases (no rsID available, gnomAD 0.003%). This variant has not been reported in the literature in individuals affected with LZTR1-related conditions. Advanced modeling of protein sequence and biophysical properties (such as structural, functional, and spatial information, amino acid conservation, physicochemical variation, residue mobility, and thermodynamic stability) performed at Invitae indicates that this missense variant is not expected to disrupt LZTR1 protein function with a negative predictive value of 80%. In summary, the available evidence is currently insufficient to determine the role of this variant in disease. Therefore, it has been classified as a Variant of Uncertain Significance.

NM_006767.4(LZTR1):c.1745T>C (p.Val582Ala)

Gene: LZTR1 (leucine zipper like post translational regulator 1; plus strand). Cytogenetic location: 22q11.21.
Variant type: single nucleotide variant.
Coding change: c.1745T>C on transcript NM_006767.4 (MANE Select); coding-DNA position 1745, T replaced by C.
Protein change: p.Val582Ala; replaces valine 582 with alanine.
Molecular consequence: missense variant.
Genome position (GRCh38, 1-based): chr22:20,994,687, T>C. VCF-style: chr22-20994687-T-C. GRCh37 (hg19) VCF-style: chr22-21348976-T-C.
Other names: c.1745T>C (NM_006767.3); short protein forms V582A.
Identifiers: ClinVar variation 3711859 (VCV003711859.3).